The following is an entry in ClinVar:

ClinVar aggregate classification (germline): Uncertain significance (1 of 4 stars; one submission).

Allele frequency attached by ClinVar (database versions not stated): TOPMed below 0.00001; gnomAD 0.00001.
gnomAD v4.1: 1 of 1,613,700 alleles (0.000062%); highest among the groups gnomAD compares: Non-Finnish European, 0.000085%; no homozygotes.

Submission:

Labcorp Genetics (formerly Invitae), Labcorp
Classification: Uncertain significance. Last evaluated: 2021-10-22. Review status: criteria provided, single submitter. Criteria: Invitae Variant Classification Sherloc (09022015). Collection method: clinical testing. Allele origin: germline.
Comment: In summary, the available evidence is currently insufficient to determine the role of this variant in disease. Therefore, it has been classified as a Variant of Uncertain Significance. Algorithms developed to predict the effect of missense changes on protein structure and function are either unavailable or do not agree on the potential impact of this missense change (SIFT: "Deleterious"; PolyPhen-2: "Probably Damaging"; Align-GVGD: "Class C15"). This variant has not been reported in the literature in individuals affected with C8A-related conditions. This variant is not present in population databases (ExAC no frequency). This sequence change replaces tyrosine with phenylalanine at codon 199 of the C8A protein (p.Tyr199Phe). The tyrosine residue is highly conserved and there is a small physicochemical difference between tyrosine and phenylalanine.

NM_000562.3(C8A):c.596A>T (p.Tyr199Phe)

Gene: C8A (complement C8 alpha chain; plus strand). Cytogenetic location: 1p32.2.
Variant type: single nucleotide variant.
Coding change: c.596A>T on transcript NM_000562.3 (MANE Select); coding-DNA position 596, A replaced by T.
Protein change: p.Tyr199Phe; replaces tyrosine 199 with phenylalanine.
Molecular consequence: missense variant.
Genome position (GRCh38, 1-based): chr1:56,881,576, A>T. VCF-style: chr1-56881576-A-T. GRCh37 (hg19) VCF-style: chr1-57347249-A-T.
Other names: short protein forms Y199F.
Identifiers: ClinVar variation 1388647 (VCV001388647.6), dbSNP rs1391056822, ClinGen allele CA340514832.